The following is an entry in ClinVar:

NM_003982.4(SLC7A7):c.1527A>G (p.Lys509=)

Gene: SLC7A7 (solute carrier family 7 member 7; minus strand). Cytogenetic location: 14q11.2.
Variant type: single nucleotide variant.
Coding change: c.1527A>G on transcript NM_003982.4 (MANE Select); coding-DNA position 1527, A replaced by G.
Protein change: p.Lys509=; no amino-acid change (lysine 509 retained).
Molecular consequence: synonymous variant.
Genome position (GRCh38, 1-based): chr14:22,773,619, T>C on the plus strand (A>G on the coding strand, the complement: SLC7A7 is on the minus strand). VCF-style: chr14-22773619-T-C. GRCh37 (hg19) VCF-style: chr14-23242828-T-C.
Other names: p.K509K:AAA>AAG; p.Lys509=; c.1527A>G, p.Lys509= (NM_001126105.3, NM_001126106.4).
Identifiers: ClinVar variation 139197 (VCV000139197.29), dbSNP rs1061040, ClinGen allele CA293596.
Genomic context (GRCh38, chr14:22,773,619, plus strand): 5'-AGCCAGTAGACCAGAAACCCCTGCTTTCCACATCAGGATTCCAGATGGTGTTTAGTTAGA[T>C]TTGGGATCCCGTTGCTTGGGCATCTCTCCTCCATCTTCCAAATCCATTTCTGCAGCAACT-3'
Protein context (NP_003973.3, residues 499-511): GGEMPKQRDP[Lys509=]SN

ClinVar aggregate classification (germline): Benign. Review status: criteria provided, multiple submitters, no conflicts (2 of 4 stars). 12 submissions from 12 submitters: Benign (8). 4 of the submissions do not count toward it. Last evaluated 2026-02-04.

Conditions:
Lysinuric protein intolerance (LPI). Identifiers: Orphanet 470, MedGen C0268647, MONDO:0009109, OMIM 222700.

Allele frequency attached by ClinVar (database versions not stated): ESP Exome Variant Server 0.76918; 1000 Genomes Project 30x 0.77655; gnomAD 0.77937 and 0.78813; TOPMed 0.78082; 1000 Genomes Project 0.78554; ExAC 0.86510; gnomAD exomes 0.87648 and 0.88726.
gnomAD v4.1: 1,415,942 of 1,613,208 alleles (88%); highest among the groups gnomAD compares: Admixed American, 92%; 627,464 homozygotes.

Submissions (12):

Labcorp Genetics (formerly Invitae), Labcorp
Classification: Benign for Lysinuric protein intolerance. Last evaluated: 2026-02-04. Review status: criteria provided, single submitter. Criteria: Invitae Variant Classification Sherloc (09022015). Collection method: clinical testing. Allele origin: germline.

Blueprint Genetics
Classification: Benign. Last evaluated: 2024-11-27. Review status: criteria provided, single submitter. Criteria: ACMG Guidelines, 2015. Collection method: clinical testing. Allele origin: germline.

Unidad de Genómica Garrahan, Hospital de Pediatría Garrahan
Classification: Benign. Last evaluated: 2024-01-24. Review status: criteria provided, single submitter. Criteria: ACMG Guidelines, 2015. Collection method: clinical testing. Allele origin: germline. Affected: no. Observed: 95 variant alleles.
Comment: This variant is classified as Benign based on local population frequency. This variant was detected in 100% of patients studied by a panel of primary immunodeficiencies. Number of patients: 95. Only high quality variants are reported.

Mayo Clinic Laboratories, Mayo Clinic
Classification: Benign. Last evaluated: 2022-09-06. Review status: criteria provided, single submitter. Criteria: ACMG Guidelines, 2015. Collection method: clinical testing. Allele origin: germline. Observed: 901 variant alleles.

Genome-Nilou Lab
Classification: Benign for Lysinuric protein intolerance. Last evaluated: 2021-07-10. Review status: criteria provided, single submitter. Criteria: ACMG Guidelines, 2015. Collection method: clinical testing. Allele origin: germline. Affected: no.

Illumina Laboratory Services, Illumina
Classification: Benign for Lysinuric protein intolerance. Last evaluated: 2018-01-13. Review status: criteria provided, single submitter. Criteria: ICSL Variant Classification Criteria 13 December 2019. Collection method: clinical testing. Allele origin: germline.
Comment: This variant was observed in the ICSL laboratory as part of a predisposition screen in an ostensibly healthy population. It had not been previously curated by ICSL or reported in the Human Gene Mutation Database (HGMD: prior to June 1st, 2018), and was therefore a candidate for classification through an automated scoring system. Utilizing variant allele frequency, disease prevalence and penetrance estimates, and inheritance mode, an automated score was calculated to assess if this variant is too frequent to cause the disease. Based on the score and internal cut-off values, a variant classified as benign is not then subjected to further curation. The score for this variant resulted in a classification of benign for this disease.

GeneDx
Classification: Benign. Last evaluated: 2013-07-25. Review status: criteria provided, single submitter. Criteria: GeneDx Variant Classification (06012015). Collection method: clinical testing. Allele origin: germline. Affected: yes.
Comment: This variant is considered likely benign or benign based on one or more of the following criteria: it is a conservative change, it occurs at a poorly conserved position in the protein, it is predicted to be benign by multiple in silico algorithms, and/or has population frequency not consistent with disease.

Breakthrough Genomics
Classification: Benign. Review status: criteria provided, single submitter. Criteria: ACMG Guidelines, 2015. Collection method: not provided. Allele origin: germline. Inheritance: Autosomal recessive inheritance. Affected: yes.

Natera, Inc.
Classification: Benign for Lysinuric protein intolerance. Last evaluated: 2020-09-16. Review status: no assertion criteria provided. Collection method: clinical testing. Allele origin: germline. Not counted in ClinVar's aggregate classification.

Clinical Genetics, Academic Medical Center
Classification: Benign. Review status: no assertion criteria provided. Collection method: clinical testing. Allele origin: germline. Affected: yes. Study: VKGL Data-share Consensus. Not counted in ClinVar's aggregate classification.

Diagnostic Laboratory, Department of Genetics, University Medical Center Groningen
Classification: Benign. Review status: no assertion criteria provided. Collection method: clinical testing. Allele origin: germline. Affected: yes. Study: VKGL Data-share Consensus. Not counted in ClinVar's aggregate classification.

Joint Genome Diagnostic Labs from Nijmegen and Maastricht, Radboudumc and MUMC+
Classification: Benign. Review status: no assertion criteria provided. Collection method: clinical testing. Allele origin: germline. Affected: yes. Study: VKGL Data-share Consensus. Not counted in ClinVar's aggregate classification.